The following is an entry in ClinVar:

ClinVar aggregate classification (germline): Uncertain significance (1 of 4 stars; one submission).

Submission:

Labcorp Genetics (formerly Invitae), Labcorp
Classification: Uncertain significance. Last evaluated: 2022-07-12. Review status: criteria provided, single submitter. Criteria: Invitae Variant Classification Sherloc (09022015). Collection method: clinical testing. Allele origin: germline.
Comment: A copy number gain of the genomic region encompassing the full coding sequence of the IARS2 gene has been identified. The boundaries of this event are unknown as they extend beyond the assayed region for this gene and therefore may encompass additional genes. As the precise location of this event is unknown, it may be in tandem or it may be located elsewhere in the genome. This variant has not been reported in the literature in individuals affected with IARS2-related conditions. In summary, the available evidence is currently insufficient to determine the role of this variant in disease. Therefore, it has been classified as a Variant of Uncertain Significance.

NC_000001.10:g.(?_220088791)_(220986760_?)dup

Genes: EPRS1 (glutamyl-prolyl-tRNA synthetase 1; minus strand), IARS2 (isoleucyl-tRNA synthetase 2, mitochondrial; plus strand), MARK1 (microtubule affinity regulating kinase 1; plus strand), MIR194-1 (microRNA 194-1; minus strand), MIR215 (microRNA 215; minus strand) and 6 more. Cytogenetic location: 1q41.
Variant type: Duplication.
Identifiers: ClinVar variation 2426429 (VCV002426429.3).